The following is an entry in ClinVar:

NM_004035.7(ACOX1):c.1771C>A (p.Arg591Ser)

Gene: ACOX1 (acyl-CoA oxidase 1; minus strand). Cytogenetic location: 17q25.1.
Variant type: single nucleotide variant.
Coding change: c.1771C>A on transcript NM_004035.7 (MANE Select); coding-DNA position 1771, C replaced by A.
Protein change: p.Arg591Ser; replaces arginine 591 with serine.
Molecular consequence: missense variant.
Genome position (GRCh38, 1-based): chr17:75,948,415, G>T on the plus strand (C>A on the coding strand, the complement: ACOX1 is on the minus strand). VCF-style: chr17-75948415-G-T. GRCh37 (hg19) VCF-style: chr17-73944496-G-T.
Other names: c.1657C>A, p.Arg553Ser (NM_001185039.2); c.1771C>A, p.Arg591Ser (NM_007292.6); short protein forms R553S, R591S.
Identifiers: ClinVar variation 991134 (VCV000991134.3), dbSNP rs35629489, ClinGen allele CA8776661.

ClinVar aggregate classification (germline): Uncertain significance. Review status: criteria provided, single submitter (1 of 4 stars). 2 submissions from 2 submitters: Uncertain significance (1). 1 of the submissions does not count toward it. Last evaluated 2025-05-14.

Conditions:
Acyl-CoA oxidase deficiency. Also called: STRAIGHT-CHAIN ACYL-CoA OXIDASE DEFICIENCY; Pseudoneonatal adrenoleukodystrophy; Peroxisomal acyl-CoA oxidase deficiency. Identifiers: Orphanet 2971, MedGen C1849678, MONDO:0009919, OMIM 264470. Disease mechanism: loss of function.

Allele frequency attached by ClinVar (database versions not stated): 1000 Genomes Project 30x 0.00016.
gnomAD v4.1: 11 of 1,614,068 alleles (0.00068%); highest among the groups gnomAD compares: African/African-American, 0.013%; no homozygotes.

Submissions (2):

Labcorp Genetics (formerly Invitae), Labcorp
Classification: Uncertain significance for Acyl-CoA oxidase deficiency. Last evaluated: 2025-05-14. Review status: criteria provided, single submitter. Criteria: Invitae Variant Classification Sherloc (09022015). Collection method: clinical testing. Allele origin: germline.
Comment: This sequence change replaces arginine, which is basic and polar, with serine, which is neutral and polar, at codon 591 of the ACOX1 protein (p.Arg591Ser). This variant is present in population databases (rs35629489, gnomAD 0.004%). This variant has not been reported in the literature in individuals affected with ACOX1-related conditions. ClinVar contains an entry for this variant (Variation ID: 991134). Invitae Evidence Modeling of protein sequence and biophysical properties (such as structural, functional, and spatial information, amino acid conservation, physicochemical variation, residue mobility, and thermodynamic stability) indicates that this missense variant is not expected to disrupt ACOX1 protein function with a negative predictive value of 80%. In summary, the available evidence is currently insufficient to determine the role of this variant in disease. Therefore, it has been classified as a Variant of Uncertain Significance.

Natera, Inc.
Classification: Uncertain significance for Peroxisomal acyl CoA oxidase deficiency. Last evaluated: 2020-08-14. Review status: no assertion criteria provided. Collection method: clinical testing. Allele origin: germline. Not counted in ClinVar's aggregate classification.